The following is an entry in ClinVar:

NM_080605.4(B3GALT6):c.443C>T (p.Ala148Val)

Gene: B3GALT6 (beta-1,3-galactosyltransferase 6; plus strand). Cytogenetic location: 1p36.33.
Variant type: single nucleotide variant.
Coding change: c.443C>T on transcript NM_080605.4 (MANE Select); coding-DNA position 443, C replaced by T.
Protein change: p.Ala148Val; replaces alanine 148 with valine.
Molecular consequence: missense variant.
Genome position (GRCh38, 1-based): chr1:1,232,721, C>T. VCF-style: chr1-1232721-C-T. GRCh37 (hg19) VCF-style: chr1-1168101-C-T.
Other names: short protein forms A148V.
Identifiers: ClinVar variation 1942584 (VCV001942584.2), dbSNP rs756325734, ClinGen allele CA513343.

ClinVar aggregate classification (germline): Uncertain significance (1 of 4 stars; one submission).

Conditions:
Ehlers-Danlos syndrome, spondylodysplastic type, 2 (EDSSPD2). Also called: Ehlers-Danlos syndrome, progeroid type, 2. Identifiers: Orphanet 536467, Orphanet 75496, MedGen C3809210, MONDO:0014139, OMIM 615349.
Spondyloepimetaphyseal dysplasia with joint laxity (SEMDJL). Identifiers: MedGen C0432243, MONDO:0019675.

Allele frequency attached by ClinVar (database versions not stated): gnomAD exomes below 0.00001; ExAC 0.00001; gnomAD 0.00001; TOPMed 0.00002.

Submission:

Labcorp Genetics (formerly Invitae), Labcorp
Classification: Uncertain significance for Ehlers-Danlos syndrome, spondylodysplastic type, 2; Spondyloepimetaphyseal dysplasia with joint laxity. Last evaluated: 2022-07-23. Review status: criteria provided, single submitter. Criteria: Invitae Variant Classification Sherloc (09022015). Collection method: clinical testing. Allele origin: germline.
Comment: This sequence change replaces alanine, which is neutral and non-polar, with valine, which is neutral and non-polar, at codon 148 of the B3GALT6 protein (p.Ala148Val). The frequency data for this variant in the population databases is considered unreliable, as metrics indicate poor data quality at this position in the gnomAD database. This variant has not been reported in the literature in individuals affected with B3GALT6-related conditions. Algorithms developed to predict the effect of missense changes on protein structure and function (SIFT, PolyPhen-2, Align-GVGD) all suggest that this variant is likely to be tolerated. In summary, the available evidence is currently insufficient to determine the role of this variant in disease. Therefore, it has been classified as a Variant of Uncertain Significance.